The following is an entry in ClinVar:

NM_005228.5(EGFR):c.145C>T (p.Leu49Phe)

Gene: EGFR (epidermal growth factor receptor; plus strand). Cytogenetic location: 7p11.2.
Variant type: single nucleotide variant.
Coding change: c.145C>T on transcript NM_005228.5 (MANE Select); coding-DNA position 145, C replaced by T.
Protein change: p.Leu49Phe; replaces leucine 49 with phenylalanine.
Molecular consequence: missense variant. On other transcripts: 5 prime UTR variant (1), intron variant (1).
Genome position (GRCh38, 1-based): chr7:55,142,342, C>T. VCF-style: chr7-55142342-C-T. GRCh37 (hg19) VCF-style: chr7-55210035-C-T.
Other names: c.145C>T, p.Leu49Phe (NM_001346898.2, NM_001346899.2, NM_201282.2 and 3 more transcripts); c.-15C>T (NM_001346900.2); c.89-13488C>T (NM_001346941.2); short protein forms L49F.
Identifiers: ClinVar variation 1719361 (VCV001719361.5), dbSNP rs2128926234, ClinGen allele CA367574446.
Genomic context (GRCh38, chr7:55,142,342, plus strand): 5'-CCAGTTTGCCAAGGCACGAGTAACAAGCTCACGCAGTTGGGCACTTTTGAAGATCATTTT[C>T]TCAGCCTCCAGAGGATGTTCAATAACTGTGAGGTGGTCCTTGGGAATTTGGAAATTACCT-3'
Protein context (NP_005219.2, residues 39-59): TQLGTFEDHF[Leu49Phe]SLQRMFNNCE

ClinVar aggregate classification (germline): Uncertain significance (1 of 4 stars; one submission).

Conditions:
EGFR-related lung cancer (EGFR). Identifiers: MedGen CN130014.

Allele frequency attached by ClinVar (database versions not stated): gnomAD exomes below 0.00001.
gnomAD v4.1: 1 of 1,614,224 alleles (0.000062%); highest among the groups gnomAD compares: Non-Finnish European, 0.000085%; no homozygotes.

Submission:

Labcorp Genetics (formerly Invitae), Labcorp
Classification: Uncertain significance for EGFR-related lung cancer. Last evaluated: 2022-09-13. Review status: criteria provided, single submitter. Criteria: Invitae Variant Classification Sherloc (09022015). Collection method: clinical testing. Allele origin: germline.
Comment: This variant is not present in population databases (gnomAD no frequency). This variant has not been reported in the literature in individuals affected with EGFR-related conditions. Advanced modeling of protein sequence and biophysical properties (such as structural, functional, and spatial information, amino acid conservation, physicochemical variation, residue mobility, and thermodynamic stability) performed at Invitae indicates that this missense variant is not expected to disrupt EGFR protein function. In summary, the available evidence is currently insufficient to determine the role of this variant in disease. Therefore, it has been classified as a Variant of Uncertain Significance. This sequence change replaces leucine, which is neutral and non-polar, with phenylalanine, which is neutral and non-polar, at codon 49 of the EGFR protein (p.Leu49Phe).